The following is an entry in ClinVar:

ClinVar aggregate classification (germline): Uncertain significance (1 of 4 stars; one submission).

Conditions:
Hereditary cancer-predisposing syndrome. Also called: Neoplastic Syndromes, Hereditary; Tumor predisposition; Hereditary Cancer Syndrome; Hereditary neoplastic syndrome. Identifiers: Orphanet 140162, MedGen C0027672, MeSH D009386, MONDO:0015356.

Submission:

Ambry Genetics
Classification: Uncertain significance for Hereditary cancer-predisposing syndrome. Last evaluated: 2021-09-05. Review status: criteria provided, single submitter. Criteria: Ambry Variant Classification Scheme 2023. Collection method: clinical testing. Allele origin: germline.
Comment: The p.P713T variant (also known as c.2137C>A), located in coding exon 5 of the PALB2 gene, results from a C to A substitution at nucleotide position 2137. The proline at codon 713 is replaced by threonine, an amino acid with highly similar properties. This amino acid position is conserved. In addition, this alteration is predicted to be tolerated by in silico analysis. Since supporting evidence is limited at this time, the clinical significance of this alteration remains unclear.

NM_024675.4(PALB2):c.2137C>A (p.Pro713Thr)

Gene: PALB2 (partner and localizer of BRCA2; minus strand). Cytogenetic location: 16p12.2.
Variant type: single nucleotide variant.
Coding change: c.2137C>A on transcript NM_024675.4 (MANE Select); coding-DNA position 2137, C replaced by A.
Protein change: p.Pro713Thr; replaces proline 713 with threonine.
Molecular consequence: missense variant.
Genome position (GRCh38, 1-based): chr16:23,630,017, G>T on the plus strand (C>A on the coding strand, the complement: PALB2 is on the minus strand). VCF-style: chr16-23630017-G-T. GRCh37 (hg19) VCF-style: chr16-23641338-G-T.
Other names: c.2077C>A, p.Pro693Thr (NM_001407296.1); c.2137C>A, p.Pro713Thr (NM_001407297.1, NM_001407298.1, NM_001407299.1 and 3 more transcripts); c.1252C>A, p.Pro418Thr (NM_001407304.1, NM_001407305.1, NM_001407306.1 and 5 more transcripts); c.349C>A, p.Pro117Thr (NM_001407312.1, NM_001407313.1); short protein forms P693T, P713T, P117T, P418T.
Identifiers: ClinVar variation 1786492 (VCV001786492.2), dbSNP rs1555460475, ClinGen allele CA395125726.